The following is an entry in ClinVar:

NM_015114.3(ANKLE2):c.1599A>T (p.Glu533Asp)

Gene: ANKLE2 (ankyrin repeat and LEM domain containing 2; minus strand). Cytogenetic location: 12q24.33.
Variant type: single nucleotide variant.
Coding change: c.1599A>T on transcript NM_015114.3 (MANE Select); coding-DNA position 1599, A replaced by T.
Protein change: p.Glu533Asp; replaces glutamic acid 533 with aspartic acid.
Molecular consequence: missense variant.
Genome position (GRCh38, 1-based): chr12:132,735,507, T>A on the plus strand (A>T on the coding strand, the complement: ANKLE2 is on the minus strand). VCF-style: chr12-132735507-T-A. GRCh37 (hg19) VCF-style: chr12-133312093-T-A.
Other names: short protein forms E533D.
Identifiers: ClinVar variation 3121571 (VCV003121571.3), dbSNP rs534331014, ClinGen allele CA6895535.
Genomic context (GRCh38, chr12:132,735,507, plus strand): 5'-GACGTGGTGAAGGAAGCCTGCTTTCTCTCGAGGTGGAGTTTTCCAGAGCTTGCGAAAATC[T>A]TCTGCCTATGAAGAAAAAAAAATGTATTGAGCCGTGTCAGGCACTGCGCCCCTCAGCTGC-3'
Protein context (NP_055929.1, residues 523-543): FAGPLSPAKA[Glu533Asp]DFRKLWKTPP

ClinVar aggregate classification (germline): Uncertain significance. Review status: criteria provided, multiple submitters, no conflicts (2 of 4 stars). 2 submissions from 2 submitters: Uncertain significance (2). Last evaluated 2023-12-27.

Conditions:
Microcephaly 16, primary, autosomal recessive (MCPH16). Identifiers: Orphanet 2512, MedGen C4225249, MONDO:0014730, OMIM 616681.
Inborn genetic diseases. Identifiers: MedGen C0950123, MeSH D030342.

Allele frequency attached by ClinVar (database versions not stated): ExAC 0.00002; gnomAD 0.00003; TOPMed 0.00003; 1000 Genomes Project 30x 0.00016; 1000 Genomes Project 0.00020.
gnomAD v4.1: 9 of 1,612,340 alleles (0.00056%); highest among the groups gnomAD compares: East Asian, 0.018%; no homozygotes.

Submissions (2):

Ambry Genetics
Classification: Uncertain significance for Inborn genetic diseases. Last evaluated: 2023-12-27. Review status: criteria provided, single submitter. Criteria: Ambry Variant Classification Scheme 2023. Collection method: clinical testing. Allele origin: germline.

Juno Genomics, Hangzhou Juno Genomics, Inc
Classification: Uncertain significance for Microcephaly 16, primary, autosomal recessive. Review status: criteria provided, single submitter. Criteria: ACMG Guidelines, 2015. Collection method: clinical testing. Allele origin: germline.
Comment: Absent from controls (or at extremely low frequency if recessive) in Genome Aggregation Database.;Multiple lines of computational evidence support a deleterious effect on the gene or gene product.